The following is an entry in ClinVar:

ClinVar aggregate classification (germline): Uncertain significance (1 of 4 stars; one submission).

Conditions:
Ataxia-telangiectasia syndrome (AT). Also called: Ataxia-telangiectasia, complementation group D; AT, COMPLEMENTATION GROUP C; ATAXIA-TELANGIECTASIA, COMPLEMENTATION GROUP A; ATAXIA-TELANGIECTASIA, FRESNO VARIANT; Ataxia-telangiectasia; Ataxia telangiectasia (A-T). Identifiers: Orphanet 100, MedGen C0004135, MONDO:0008840, OMIM 208900.

Submission:

Labcorp Genetics (formerly Invitae), Labcorp
Classification: Uncertain significance for Ataxia-telangiectasia syndrome. Last evaluated: 2024-01-30. Review status: criteria provided, single submitter. Criteria: Invitae Variant Classification Sherloc (09022015). Collection method: clinical testing. Allele origin: germline.
Comment: This sequence change replaces alanine, which is neutral and non-polar, with valine, which is neutral and non-polar, at codon 2274 of the ATM protein (p.Ala2274Val). This variant is not present in population databases (gnomAD no frequency). This variant has not been reported in the literature in individuals affected with ATM-related conditions. ClinVar contains an entry for this variant (Variation ID: 956128). An algorithm developed to predict the effect of missense changes on protein structure and function (PolyPhen-2) suggests that this variant is likely to be disruptive. In summary, the available evidence is currently insufficient to determine the role of this variant in disease. Therefore, it has been classified as a Variant of Uncertain Significance.

NM_000051.4(ATM):c.6821C>T (p.Ala2274Val)

Genes: ATM (ATM serine/threonine kinase; plus strand), C11orf65 (chromosome 11 open reading frame 65; minus strand). Cytogenetic location: 11q22.3.
Variant type: single nucleotide variant.
Coding change: c.6821C>T on transcript NM_000051.4 (MANE Select); coding-DNA position 6821, C replaced by T.
Protein change: p.Ala2274Val; replaces alanine 2274 with valine.
Molecular consequence: missense variant. On other transcripts: intron variant (2).
Genome position (GRCh38, 1-based): chr11:108,326,071, C>T. VCF-style: chr11-108326071-C-T. GRCh37 (hg19) VCF-style: chr11-108196798-C-T.
Other names: c.6821C>T, p.Ala2274Val (NM_001351834.2); c.641-17000G>A (NM_001330368.2); c.*38+9149G>A (NM_001351110.2); short protein forms A2274V.
Identifiers: ClinVar variation 956128 (VCV000956128.10), dbSNP rs2085647482, ClinGen allele CA382556503.